The following is an entry in ClinVar:

NM_002432.3(MNDA):c.179C>A (p.Ala60Asp)

Gene: MNDA (myeloid cell nuclear differentiation antigen; plus strand). Cytogenetic location: 1q23.1.
Variant type: single nucleotide variant.
Coding change: c.179C>A on transcript NM_002432.3 (MANE Select); coding-DNA position 179, C replaced by A.
Protein change: p.Ala60Asp; replaces alanine 60 with aspartic acid.
Molecular consequence: missense variant.
Genome position (GRCh38, 1-based): chr1:158,842,332, C>A. VCF-style: chr1-158842332-C-A. GRCh37 (hg19) VCF-style: chr1-158812122-C-A.
Other names: short protein forms A60D.
Identifiers: ClinVar variation 1780326 (VCV001780326.2), dbSNP rs1659044424, ClinGen allele CA343036976.

ClinVar aggregate classification (germline): Uncertain significance (1 of 4 stars; one submission).

Allele frequency attached by ClinVar (database versions not stated): gnomAD 0.00001; TOPMed 0.00001.
gnomAD v4.1: 1 of 1,613,992 alleles (0.000062%); highest among the groups gnomAD compares: Admixed American, 0.0017%; no homozygotes.

Submission:

Ambry Genetics
Classification: Uncertain significance. Last evaluated: 2024-01-11. Review status: criteria provided, single submitter. Criteria: Ambry Variant Classification Scheme 2023. Collection method: clinical testing. Allele origin: germline.
Comment: The p.A60D variant (also known as c.179C>A), located in coding exon 1 of the MNDA gene, results from a C to A substitution at nucleotide position 179. The alanine at codon 60 is replaced by aspartic acid, an amino acid with dissimilar properties. This amino acid position is conserved. In addition, this alteration is predicted to be tolerated by in silico analysis. Since supporting evidence is limited at this time, the clinical significance of this alteration remains unclear.